The following is an entry in ClinVar:

NM_005909.5(MAP1B):c.3342T>G (p.Thr1114=)

Gene: MAP1B (microtubule associated protein 1B; plus strand). Cytogenetic location: 5q13.2.
Variant type: single nucleotide variant.
Coding change: c.3342T>G on transcript NM_005909.5 (MANE Select); coding-DNA position 3342, T replaced by G.
Protein change: p.Thr1114=; no amino-acid change (threonine 1114 retained).
Molecular consequence: synonymous variant.
Genome position (GRCh38, 1-based): chr5:72,196,697, T>G. VCF-style: chr5-72196697-T-G. GRCh37 (hg19) VCF-style: chr5-71492524-T-G.
Other names: c.2964T>G, p.Thr988= (NM_001324255.2); c.3342T>G (NM_005909.4).
Identifiers: ClinVar variation 2655517 (VCV002655517.25), dbSNP rs201432182, ClinGen allele CA3298979.

ClinVar aggregate classification (germline): Likely benign. Review status: criteria provided, single submitter (1 of 4 stars). 2 submissions from 2 submitters: Likely benign (1). 1 of the submissions does not count toward it. Last evaluated 2026-08-01.

Conditions:
MAP1B-related disorder. Also called: MAP1B-related condition.

Allele frequency attached by ClinVar (database versions not stated): 1000 Genomes Project 30x 0.00031; 1000 Genomes Project 0.00040; TOPMed 0.00040; ESP Exome Variant Server 0.00054; gnomAD exomes 0.00064; ExAC 0.00096; gnomAD 0.00104.
gnomAD v4.1: 1,101 of 1,614,100 alleles (0.068%); highest among the groups gnomAD compares: Non-Finnish European, 0.062%; 4 homozygotes.

Submissions (2):

CeGaT Center for Human Genetics Tuebingen
Classification: Likely benign. Last evaluated: 2026-08-01. Review status: criteria provided, single submitter. Criteria: CeGaT Center For Human Genetics Tuebingen Variant Classification Criteria Version 2. Collection method: clinical testing. Allele origin: germline. Affected: yes. Observed: 8 variant alleles.
Comment: MAP1B: BP4, BP7

PreventionGenetics, part of Exact Sciences
Classification: Likely benign for MAP1B-related condition. Last evaluated: 2023-12-13. Review status: no assertion criteria provided. Collection method: clinical testing. Allele origin: germline. Not counted in ClinVar's aggregate classification.
Comment: This variant is classified as likely benign based on ACMG/AMP sequence variant interpretation guidelines (Richards et al. 2015 PMID: 25741868, with internal and published modifications).